The following is an entry in ClinVar:

NC_000007.13:g.(?_73442518)_(73449764_?)del

Gene: ELN (elastin; plus strand). Cytogenetic location: 7q11.23.
Variant type: Deletion.
Identifiers: ClinVar variation 2424091 (VCV002424091.4).

ClinVar aggregate classification (germline): Pathogenic (1 of 4 stars; one submission).

Conditions:
Supravalvar aortic stenosis (SVAS). Also called: Supravalvar aortic stenosis, Eisenberg type. Identifiers: Orphanet 3193, MedGen C0003499, MONDO:0008504, OMIM 185500, HP:0004381.

Submission:

Labcorp Genetics (formerly Invitae), Labcorp
Classification: Pathogenic for Supravalvar aortic stenosis. Last evaluated: 2023-08-17. Review status: criteria provided, single submitter. Criteria: Invitae Variant Classification Sherloc (09022015). Collection method: clinical testing. Allele origin: germline.
Comment: For these reasons, this variant has been classified as Pathogenic. This variant has not been reported in the literature in individuals affected with ELN-related conditions. This variant is a gross deletion of the genomic region encompassing exon(s) 1-2 of the ELN gene, which includes the initiator codon. This deletion extends beyond the assayed region for this gene and therefore may encompass additional genes. It is expected to result in an absent or disrupted protein product. Loss-of-function variants in ELN are known to be pathogenic (PMID: 11175284).

Literature cited by the submitters: PubMed 11175284.